The following is an entry in ClinVar:

ClinVar aggregate classification (germline): Likely benign. Review status: criteria provided, multiple submitters, no conflicts (2 of 4 stars). 6 submissions from 6 submitters: Likely benign (5). 1 of the submissions does not count toward it. Last evaluated 2025-09-24.

Conditions:
RYR1-related disorder. Also called: RYR1-related disorders; RYR1-related condition. Identifiers: MedGen CN239331.
Malignant hyperthermia, susceptibility to, 1 (MHS1). Also called: Malignant hyperthermia suceptibility 1; RYR1-Related Malignant Hyperthermia Susceptibility; Anesthesia related hyperthermia; Malignant hyperpyrexia; Fulminating hyperpyrexia; Pharmacogenic myopathy. Identifiers: Orphanet 423, MedGen C2930980, MONDO:0007783, OMIM 145600.

Allele frequency attached by ClinVar (database versions not stated): TOPMed 0.00002; gnomAD 0.00006; ExAC 0.00007; gnomAD exomes 0.00008.
gnomAD v4.1: 126 of 1,600,168 alleles (0.0079%); highest among the groups gnomAD compares: East Asian, 0.014%; no homozygotes.

Submissions (6):

Labcorp Genetics (formerly Invitae), Labcorp
Classification: Likely benign for RYR1-related disorder. Last evaluated: 2025-09-24. Review status: criteria provided, single submitter. Criteria: Invitae Variant Classification Sherloc (09022015). Collection method: clinical testing. Allele origin: germline.

Women's Health and Genetics/Laboratory Corporation of America, LabCorp
Classification: Likely benign. Last evaluated: 2025-07-23. Review status: criteria provided, single submitter. Criteria: LabCorp Variant Classification Summary - May 2015. Collection method: clinical testing. Allele origin: germline.

CeGaT Center for Human Genetics Tuebingen
Classification: Likely benign. Last evaluated: 2024-07-01. Review status: criteria provided, single submitter. Criteria: CeGaT Center For Human Genetics Tuebingen Variant Classification Criteria Version 2. Collection method: clinical testing. Allele origin: germline. Affected: yes. Observed: 2 variant alleles.
Comment: RYR1: BP4, BP7

All of Us Research Program, National Institutes of Health
Classification: Likely benign for Malignant hyperthermia, susceptibility to, 1. Last evaluated: 2023-12-13. Review status: criteria provided, single submitter. Criteria: ACMG Guidelines, 2015. Collection method: clinical testing. Allele origin: germline. Inheritance: Autosomal dominant inheritance. Observed: 5 variant alleles, 5 heterozygotes.
Comment: This study involves interpretation of variants in research participants for the purpose of population health screening. Participant phenotype was not available at the time of variant classification. Additional details can be found in publication PMID: 35346344, PMCID: PMC8962531

Color Diagnostics, LLC DBA Color Health
Classification: Likely benign for Malignant hyperthermia, susceptibility to, 1. Last evaluated: 2022-11-06. Review status: criteria provided, single submitter. Criteria: ACMG Guidelines, 2015. Collection method: clinical testing. Allele origin: germline.

PreventionGenetics, part of Exact Sciences
Classification: Likely benign for RYR1-related condition. Last evaluated: 2022-04-20. Review status: no assertion criteria provided. Collection method: clinical testing. Allele origin: germline. Not counted in ClinVar's aggregate classification.
Comment: This variant is classified as likely benign based on ACMG/AMP sequence variant interpretation guidelines (Richards et al. 2015 PMID: 25741868, with internal and published modifications).

NM_000540.3(RYR1):c.3951C>T (p.Pro1317=)

Gene: RYR1 (ryanodine receptor 1; plus strand). Cytogenetic location: 19q13.2.
Variant type: single nucleotide variant.
Coding change: c.3951C>T on transcript NM_000540.3 (MANE Select); coding-DNA position 3951, C replaced by T.
Protein change: p.Pro1317=; no amino-acid change (proline 1317 retained).
Molecular consequence: synonymous variant.
Genome position (GRCh38, 1-based): chr19:38,473,562, C>T. VCF-style: chr19-38473562-C-T. GRCh37 (hg19) VCF-style: chr19-38964202-C-T.
Other names: c.3951C>T, p.Pro1317= (NM_001042723.2); c.3951C>T (NM_000540.2).
Identifiers: ClinVar variation 425176 (VCV000425176.55), dbSNP rs745447236, ClinGen allele CA065376.